The following is an entry in ClinVar:

NM_001098.3(ACO2):c.231C>T (p.Pro77=)

Gene: ACO2 (aconitase 2; plus strand). Cytogenetic location: 22q13.2.
Variant type: single nucleotide variant.
Coding change: c.231C>T on transcript NM_001098.3 (MANE Select); coding-DNA position 231, C replaced by T.
Protein change: p.Pro77=; no amino-acid change (proline 77 retained).
Molecular consequence: synonymous variant.
Genome position (GRCh38, 1-based): chr22:41,507,848, C>T. VCF-style: chr22-41507848-C-T. GRCh37 (hg19) VCF-style: chr22-41903852-C-T.
Identifiers: ClinVar variation 377425 (VCV000377425.40), dbSNP rs150593227, ClinGen allele CA10257316.
Genomic context (GRCh38, chr22:41,507,848, plus strand): 5'-CAGACTGAACCGGCCGCTGACACTCTCGGAGAAGATTGTGTATGGACACCTGGATGACCC[C>T]GCCAGCCAGGAAATTGAGCGAGGCAAGTCGTACCTGCGGCTGCGGCCGGACCGTGTGGCC-3'
Protein context (NP_001089.1, residues 67-87): EKIVYGHLDD[Pro77=]ASQEIERGKS

ClinVar aggregate classification (germline): Benign/Likely benign. Review status: criteria provided, multiple submitters, no conflicts (2 of 4 stars). 7 submissions from 7 submitters: Benign (3); Likely benign (2). 2 of the submissions do not count toward it. Last evaluated 2026-02-01.

Allele frequency attached by ClinVar (database versions not stated): gnomAD exomes 0.00043 and 0.00085; ExAC 0.00102; 1000 Genomes Project 30x 0.00234; 1000 Genomes Project 0.00240; gnomAD 0.00299 and 0.00327; TOPMed 0.00315; ESP Exome Variant Server 0.00384.
gnomAD v4.1: 1,115 of 1,614,184 alleles (0.069%); highest among the groups gnomAD compares: African/African-American, 1%; 9 homozygotes.

Submissions (7):

Labcorp Genetics (formerly Invitae), Labcorp
Classification: Benign. Last evaluated: 2026-02-01. Review status: criteria provided, single submitter. Criteria: Invitae Variant Classification Sherloc (09022015). Collection method: clinical testing. Allele origin: germline.

CeGaT Center for Human Genetics Tuebingen
Classification: Likely benign. Last evaluated: 2025-09-01. Review status: criteria provided, single submitter. Criteria: CeGaT Center For Human Genetics Tuebingen Variant Classification Criteria Version 2. Collection method: clinical testing. Allele origin: germline. Affected: yes. Observed: 2 variant alleles.
Comment: ACO2: BP4, BP7

Blueprint Genetics
Classification: Likely benign. Last evaluated: 2024-10-18. Review status: criteria provided, single submitter. Criteria: ACMG Guidelines, 2015. Collection method: clinical testing. Allele origin: germline.

GeneDx
Classification: Benign. Last evaluated: 2015-04-13. Review status: criteria provided, single submitter. Criteria: GeneDx Variant Classification (06012015). Collection method: clinical testing. Allele origin: germline. Affected: yes.
Comment: This variant is considered likely benign or benign based on one or more of the following criteria: it is a conservative change, it occurs at a poorly conserved position in the protein, it is predicted to be benign by multiple in silico algorithms, and/or has population frequency not consistent with disease.

Breakthrough Genomics
Classification: Benign. Review status: criteria provided, single submitter. Criteria: ACMG Guidelines, 2015. Collection method: not provided. Allele origin: germline. Inheritance: Autosomal recessive inheritance. Affected: yes.

Clinical Genetics DNA and cytogenetics Diagnostics Lab, Erasmus MC, Erasmus Medical Center
Classification: Likely benign. Review status: no assertion criteria provided. Collection method: clinical testing. Allele origin: germline. Affected: yes. Study: VKGL Data-share Consensus. Not counted in ClinVar's aggregate classification.

Clinical Genetics, Academic Medical Center
Classification: Benign. Review status: no assertion criteria provided. Collection method: clinical testing. Allele origin: germline. Affected: yes. Study: VKGL Data-share Consensus. Not counted in ClinVar's aggregate classification.